The following is an entry in ClinVar:

NM_001009944.3(PKD1):c.5777C>T (p.Ala1926Val)

Gene: PKD1 (polycystin 1, transient receptor potential channel interacting; minus strand). Cytogenetic location: 16p13.3.
Variant type: single nucleotide variant.
Coding change: c.5777C>T on transcript NM_001009944.3 (MANE Select); coding-DNA position 5777, C replaced by T.
Protein change: p.Ala1926Val; replaces alanine 1926 with valine.
Molecular consequence: missense variant.
Genome position (GRCh38, 1-based): chr16:2,109,390, G>A on the plus strand (C>T on the coding strand, the complement: PKD1 is on the minus strand). VCF-style: chr16-2109390-G-A. GRCh37 (hg19) VCF-style: chr16-2159391-G-A.
Other names: c.5777C>T, p.Ala1926Val (NM_000296.4); c.5777C>T (NM_001009944.2); short protein forms A1926V.
Identifiers: ClinVar variation 1256447 (VCV001256447.3), dbSNP rs754890213, ClinGen allele CA7831861.

ClinVar aggregate classification (germline): Uncertain significance. Review status: criteria provided, multiple submitters, no conflicts (2 of 4 stars). 3 submissions from 3 submitters: Uncertain significance (3). Last evaluated 2025-03-14.

Conditions:
PKD1-related disorder. Also called: PKD1-related condition.
Polycystic kidney disease, adult type (PKD1). Also called: Polycystic Kidney, Autosomal Dominant; Polycystic Kidney Disease 1, Autosomal Dominant; Polycystic kidney disease 1; Polycystic kidney disease 1, severe; POLYCYSTIC KIDNEY DISEASE, ADULT, TYPE I; POLYCYSTIC KIDNEY DISEASE 1 WITH OR WITHOUT POLYCYSTIC LIVER DISEASE. Identifiers: MedGen C3149841, MONDO:0008263, OMIM 173900.

Allele frequency attached by ClinVar (database versions not stated): ExAC 0.00001; gnomAD exomes 0.00002; TOPMed 0.00002; gnomAD 0.00003.
gnomAD v4.1: 32 of 1,597,672 alleles (0.002%); highest among the groups gnomAD compares: Non-Finnish European, 0.0025%; no homozygotes.

Submissions (3):

PreventionGenetics, part of Exact Sciences
Classification: Uncertain significance for PKD1-related condition. Last evaluated: 2025-03-14. Review status: criteria provided, single submitter. Criteria: ACMG Guidelines, 2015. Collection method: clinical testing. Allele origin: germline.
Comment: The PKD1 c.5777C>T variant is predicted to result in the amino acid substitution p.Ala1926Val. To our knowledge, this variant has not been reported in the literature. This variant is reported in 0.0047% of alleles in individuals of European (Non-Finnish) descent in gnomAD. At this time, the clinical significance of this variant is uncertain due to the absence of conclusive functional and genetic evidence.

Fulgent Genetics
Classification: Uncertain significance for Polycystic kidney disease, adult type. Last evaluated: 2024-05-10. Review status: criteria provided, single submitter. Criteria: ACMG Guidelines, 2015. Collection method: clinical testing. Allele origin: germline.

Athena Diagnostics
Classification: Uncertain significance. Last evaluated: 2021-01-20. Review status: criteria provided, single submitter. Criteria: Athena Diagnostics criteria. Collection method: clinical testing. Allele origin: unknown.

Literature cited by the submitters: PubMed 18837007 (cited by Athena Diagnostics).